The following is an entry in ClinVar:

NM_001854.4(COL11A1):c.4141-9_4141-6del

Gene: COL11A1 (collagen type XI alpha 1 chain; minus strand). Cytogenetic location: 1p21.1.
Variant type: Deletion.
Coding change: c.4141-9_4141-6del on transcript NM_001854.4 (MANE Select); 9 bases into the intron before coding-DNA position 4141 through 6 bases into the intron before coding-DNA position 4141, 4 bases deleted (TTCT; older notation c.4141-9_4141-6delTTCT).
Molecular consequence: intron variant.
Genome position (GRCh38, 1-based): chr1:102,898,779-102,898,782, AGAA deleted on the plus strand (TTCT on the coding strand, the reverse complement: COL11A1 is on the minus strand); deleting any 4 consecutive bases within chr1:102,898,779-102,898,784 gives the same sequence; the c. name uses the placement nearest the transcript's 3' end. VCF-style (leftmost placement, unchanged base first): chr1-102898778-TAGAA-T. GRCh37 (hg19) VCF-style: chr1-103364334-TAGAA-T.
Other names: c.4141-9_4141-6delTTCT (NM_001854.3); c.4024-9_4024-6del (NM_001190709.2); c.4177-9_4177-6del (NM_080629.3); c.3793-9_3793-6del (NM_080630.4).
Identifiers: ClinVar variation 1953860 (VCV001953860.6), dbSNP rs1349813614, ClinGen allele CA524881364.

ClinVar aggregate classification (germline): Likely benign. Review status: criteria provided, single submitter (1 of 4 stars). 2 submissions from 2 submitters: Likely benign (1). 1 of the submissions does not count toward it. Last evaluated 2025-06-22.

Conditions:
COL11A1-related disorder. Also called: COL11A1-related condition; COL11A1-related disorders.

Submissions (2):

Labcorp Genetics (formerly Invitae), Labcorp
Classification: Likely benign. Last evaluated: 2025-06-22. Review status: criteria provided, single submitter. Criteria: Invitae Variant Classification Sherloc (09022015). Collection method: clinical testing. Allele origin: germline.

PreventionGenetics, part of Exact Sciences
Classification: Likely benign for COL11A1-related condition. Last evaluated: 2024-06-25. Review status: no assertion criteria provided. Collection method: clinical testing. Allele origin: germline. Not counted in ClinVar's aggregate classification.
Comment: This variant is classified as likely benign based on ACMG/AMP sequence variant interpretation guidelines (Richards et al. 2015 PMID: 25741868, with internal and published modifications).